The following is an entry in ClinVar:

NM_000397.4(CYBB):c.1241C>A (p.Thr414Lys)

Gene: CYBB (cytochrome b-245 beta chain; plus strand). Cytogenetic location: Xp11.4.
Variant type: single nucleotide variant.
Coding change: c.1241C>A on transcript NM_000397.4 (MANE Select); coding-DNA position 1241, C replaced by A.
Protein change: p.Thr414Lys; replaces threonine 414 with lysine.
Molecular consequence: missense variant.
Genome position (GRCh38, 1-based): chrX:37,805,095, C>A. VCF-style: chrX-37805095-C-A. GRCh37 (hg19) VCF-style: chrX-37664348-C-A.
Other names: short protein forms T414K.
Identifiers: ClinVar variation 1720515 (VCV001720515.6), dbSNP rs2519209844, ClinGen allele CA412977798.

ClinVar aggregate classification (germline): Uncertain significance (1 of 4 stars; one submission).

Conditions:
Granulomatous disease, chronic, X-linked. Also called: CYTOCHROME b-NEGATIVE GRANULOMATOUS DISEASE, CHRONIC, X-LINKED; GRANULOMATOUS DISEASE, CHRONIC, X-LINKED, SOMATIC MOSAIC. Identifiers: Orphanet 379, MedGen C1844376, MONDO:0010600, OMIM 306400.

Submission:

Labcorp Genetics (formerly Invitae), Labcorp
Classification: Uncertain significance for Granulomatous disease, chronic, X-linked. Last evaluated: 2022-09-27. Review status: criteria provided, single submitter. Criteria: Invitae Variant Classification Sherloc (09022015). Collection method: clinical testing. Allele origin: germline.
Comment: Advanced modeling of protein sequence and biophysical properties (such as structural, functional, and spatial information, amino acid conservation, physicochemical variation, residue mobility, and thermodynamic stability) performed at Invitae indicates that this missense variant is expected to disrupt CYBB protein function. In summary, the available evidence is currently insufficient to determine the role of this variant in disease. Therefore, it has been classified as a Variant of Uncertain Significance. This variant has not been reported in the literature in individuals affected with CYBB-related conditions. This variant is not present in population databases (gnomAD no frequency). This sequence change replaces threonine, which is neutral and polar, with lysine, which is basic and polar, at codon 414 of the CYBB protein (p.Thr414Lys).